The following is an entry in ClinVar:

NM_002691.4(POLD1):c.2075C>T (p.Ala692Val)

Gene: POLD1 (DNA polymerase delta 1, catalytic subunit; plus strand). Cytogenetic location: 19q13.33.
Variant type: single nucleotide variant.
Coding change: c.2075C>T on transcript NM_002691.4 (MANE Select); coding-DNA position 2075, C replaced by T.
Protein change: p.Ala692Val; replaces alanine 692 with valine.
Molecular consequence: missense variant. On other transcripts: non-coding transcript variant (1).
Genome position (GRCh38, 1-based): chr19:50,409,587, C>T. VCF-style: chr19-50409587-C-T. GRCh37 (hg19) VCF-style: chr19-50912844-C-T.
Other names: c.2075C>T, p.Ala692Val (NM_001256849.1); c.2153C>T, p.Ala718Val (NM_001308632.1); short protein forms A718V, A692V.
Identifiers: ClinVar variation 935511 (VCV000935511.8), dbSNP rs2039022097, ClinGen allele CA406982571.

ClinVar aggregate classification (germline): Uncertain significance. Review status: criteria provided, multiple submitters, no conflicts (2 of 4 stars). 2 submissions from 2 submitters: Uncertain significance (2). Last evaluated 2025-01-23.

Conditions:
POLD1-related polyposis and colorectal cancer syndrome (CRCS10). Also called: Colorectal cancer 10; COLORECTAL CANCER, SUSCEPTIBILITY TO, ON CHROMOSOME 19q; Colorectal cancer, susceptibility to, 10. Identifiers: Orphanet 220460, MedGen C2675481, MONDO:0012953, OMIM 612591.

Allele frequency attached by ClinVar (database versions not stated): gnomAD 0.00001.
gnomAD v4.1: 1 of 1,613,258 alleles (0.000062%); highest among the groups gnomAD compares: African/African-American, 0.0013%; no homozygotes.

Submissions (2):

Labcorp Genetics (formerly Invitae), Labcorp
Classification: Uncertain significance for POLD1-related polyposis and colorectal cancer syndrome. Last evaluated: 2025-01-23. Review status: criteria provided, single submitter. Criteria: Invitae Variant Classification Sherloc (09022015). Collection method: clinical testing. Allele origin: germline.
Comment: This sequence change replaces alanine, which is neutral and non-polar, with valine, which is neutral and non-polar, at codon 692 of the POLD1 protein (p.Ala692Val). This variant is not present in population databases (gnomAD no frequency). This variant has not been reported in the literature in individuals affected with POLD1-related conditions. ClinVar contains an entry for this variant (Variation ID: 935511). Invitae Evidence Modeling of protein sequence and biophysical properties (such as structural, functional, and spatial information, amino acid conservation, physicochemical variation, residue mobility, and thermodynamic stability) indicates that this missense variant is expected to disrupt POLD1 protein function with a positive predictive value of 80%. In summary, the available evidence is currently insufficient to determine the role of this variant in disease. Therefore, it has been classified as a Variant of Uncertain Significance.

GeneDx
Classification: Uncertain significance. Last evaluated: 2019-06-10. Review status: criteria provided, single submitter. Criteria: GeneDx Variant Classification Process June 2021. Collection method: clinical testing. Allele origin: germline. Affected: yes.
Comment: Not observed in large population cohorts (Lek et al., 2016); Has not been previously published as pathogenic or benign to our knowledge; This variant is associated with the following publications: (PMID: 29056344)